The following is an entry in ClinVar:

NM_001009944.3(PKD1):c.6750G>A (p.Thr2250=)

Gene: PKD1 (polycystin 1, transient receptor potential channel interacting; minus strand). Cytogenetic location: 16p13.3.
Variant type: single nucleotide variant.
Coding change: c.6750G>A on transcript NM_001009944.3 (MANE Select); coding-DNA position 6750, G replaced by A.
Protein change: p.Thr2250=; no amino-acid change (threonine 2250 retained).
Molecular consequence: synonymous variant.
Genome position (GRCh38, 1-based): chr16:2,108,417, C>T on the plus strand (G>A on the coding strand, the complement: PKD1 is on the minus strand). VCF-style: chr16-2108417-C-T. GRCh37 (hg19) VCF-style: chr16-2158418-C-T.
Other names: c.6750G>A, p.Thr2250= (NM_000296.4).
Identifiers: ClinVar variation 3353625 (VCV003353625.2).
Genomic context (GRCh38, chr16:2,108,417, plus strand): 5'-GTCTGACCACACGCGGTATGAGCCACCCTCAATGATGGGCACCAGGCGCTCGGGGGCCAC[C>T]GTCACATTGGCCTGGATGCTCTGTGTCAGTGGCGTGTCCCCAAATGACACGACAAACACA-3'
Protein context (NP_001009944.3, residues 2240-2260): PLTQSIQANV[Thr2250=]VAPERLVPII

ClinVar aggregate classification (germline): Likely benign. Review status: criteria provided, single submitter (1 of 4 stars). 2 submissions from 2 submitters: Likely benign (1). 1 of the submissions does not count toward it. Last evaluated 2022-09-16.

Conditions:
PKD1-related disorder. Also called: PKD1-related condition.

gnomAD v4.1: 21 of 1,610,390 alleles (0.0013%); highest among the groups gnomAD compares: South Asian, 0.0055%; no homozygotes.

Submissions (2):

Blueprint Genetics
Classification: Likely benign. Last evaluated: 2022-09-16. Review status: criteria provided, single submitter. Criteria: ACMG Guidelines, 2015. Collection method: clinical testing. Allele origin: germline.

PreventionGenetics, part of Exact Sciences
Classification: Likely benign for PKD1-related condition. Last evaluated: 2024-07-26. Review status: no assertion criteria provided. Collection method: clinical testing. Allele origin: germline. Not counted in ClinVar's aggregate classification.
Comment: This variant is classified as likely benign based on ACMG/AMP sequence variant interpretation guidelines (Richards et al. 2015 PMID: 25741868, with internal and published modifications).